The following is an entry in ClinVar:

ClinVar aggregate classification (germline): Uncertain significance (1 of 4 stars; one submission).

Conditions:
Developmental and epileptic encephalopathy 94 (DEE94). Also called: CHD2-Related Neurodevelopmental Disorders; Epileptic encephalopathy, childhood-onset. Identifiers: Orphanet 1942, Orphanet 2382, MedGen C3809278, MONDO:0014150, OMIM 615369.

Allele frequency attached by ClinVar (database versions not stated): TOPMed below 0.00001; gnomAD 0.00001.
gnomAD v4.1: 3 of 1,613,666 alleles (0.00019%); highest among the groups gnomAD compares: Non-Finnish European, 0.00025%; no homozygotes.

Submission:

Labcorp Genetics (formerly Invitae), Labcorp
Classification: Uncertain significance for Developmental and epileptic encephalopathy 94. Last evaluated: 2021-08-27. Review status: criteria provided, single submitter. Criteria: Invitae Variant Classification Sherloc (09022015). Collection method: clinical testing. Allele origin: germline.
Comment: In summary, the available evidence is currently insufficient to determine the role of this variant in disease. Therefore, it has been classified as a Variant of Uncertain Significance. Advanced modeling of protein sequence and biophysical properties (such as structural, functional, and spatial information, amino acid conservation, physicochemical variation, residue mobility, and thermodynamic stability) performed at Invitae indicates that this missense variant is not expected to disrupt CHD2 protein function. This variant has not been reported in the literature in individuals affected with CHD2-related conditions. This variant is not present in population databases (ExAC no frequency). This sequence change replaces proline with leucine at codon 1120 of the CHD2 protein (p.Pro1120Leu). The proline residue is highly conserved and there is a moderate physicochemical difference between proline and leucine.

NM_001271.4(CHD2):c.3359C>T (p.Pro1120Leu)

Gene: CHD2 (chromodomain helicase DNA binding protein 2; plus strand). Cytogenetic location: 15q26.1.
Variant type: single nucleotide variant.
Coding change: c.3359C>T on transcript NM_001271.4 (MANE Select); coding-DNA position 3359, C replaced by T.
Protein change: p.Pro1120Leu; replaces proline 1120 with leucine.
Molecular consequence: missense variant.
Genome position (GRCh38, 1-based): chr15:92,985,619, C>T. VCF-style: chr15-92985619-C-T. GRCh37 (hg19) VCF-style: chr15-93528849-C-T.
Other names: short protein forms P1120L.
Identifiers: ClinVar variation 1515523 (VCV001515523.6), dbSNP rs2054032013, ClinGen allele CA393895750.